The following is an entry in ClinVar:

ClinVar aggregate classification (germline): Uncertain significance. Review status: criteria provided, multiple submitters, no conflicts (2 of 4 stars). 4 submissions from 4 submitters: Uncertain significance (4). Last evaluated 2025-04-21.

Conditions:
Catecholaminergic polymorphic ventricular tachycardia (CVPT). Also called: Catecholamine-induced polymorphic ventricular tachycardia. Identifiers: Orphanet 3286, MedGen C5574922, MONDO:0017990.
Arrhythmogenic right ventricular dysplasia 2. Identifiers: MedGen C1832931.
Catecholaminergic polymorphic ventricular tachycardia 1. Also called: VENTRICULAR TACHYCARDIA, CATECHOLAMINERGIC POLYMORPHIC, 1, WITH OR WITHOUT ATRIAL DYSFUNCTION AND/OR DILATED CARDIOMYOPATHY; RYR2-Related Catecholaminergic Polymorphic Ventricular Tachycardia; VENTRICULAR TACHYCARDIA, STRESS-INDUCED POLYMORPHIC 1. Identifiers: Orphanet 3286, MedGen C1631597, MONDO:0011484, OMIM 604772.
Ventricular arrhythmias due to cardiac ryanodine receptor calcium release deficiency syndrome. Also called: Autosomal dominant cardiac arrhythmia (Kuhn). Identifiers: MedGen C5542154, MONDO:0020745, OMIM 115000.

Allele frequency attached by ClinVar (database versions not stated): ExAC 0.00002.
gnomAD v4.1: 4 of 1,613,946 alleles (0.00025%); highest among the groups gnomAD compares: Non-Finnish European, 0.00025%; no homozygotes.

Submissions (4):

Labcorp Genetics (formerly Invitae), Labcorp
Classification: Uncertain significance for Catecholaminergic polymorphic ventricular tachycardia 1. Last evaluated: 2025-04-21. Review status: criteria provided, single submitter. Criteria: Invitae Variant Classification Sherloc (09022015). Collection method: clinical testing. Allele origin: germline.
Comment: This sequence change replaces glycine, which is neutral and non-polar, with valine, which is neutral and non-polar, at codon 199 of the RYR2 protein (p.Gly199Val). This variant is present in population databases (rs754911836, gnomAD 0.002%). This variant has not been reported in the literature in individuals affected with RYR2-related conditions. ClinVar contains an entry for this variant (Variation ID: 1436888). Invitae Evidence Modeling of protein sequence and biophysical properties (such as structural, functional, and spatial information, amino acid conservation, physicochemical variation, residue mobility, and thermodynamic stability) has been performed for this missense variant. However, the output from this modeling did not meet the statistical confidence thresholds required to predict the impact of this variant on RYR2 protein function. In summary, the available evidence is currently insufficient to determine the role of this variant in disease. Therefore, it has been classified as a Variant of Uncertain Significance.

Laboratory of Genetics, Children's Clinical University Hospital Latvia
Classification: Uncertain significance. Last evaluated: 2025-02-16. Review status: criteria provided, single submitter. Criteria: ACMG Guidelines, 2015. Collection method: clinical testing. Allele origin: germline. Affected: yes.

All of Us Research Program, National Institutes of Health
Classification: Uncertain significance for Catecholaminergic polymorphic ventricular tachycardia. Last evaluated: 2023-12-13. Review status: criteria provided, single submitter. Criteria: ACMG Guidelines, 2015. Collection method: clinical testing. Allele origin: germline. Inheritance: Autosomal dominant inheritance. Observed: 1 variant allele, 1 heterozygote.
Comment: This missense variant replaces glycine with valine at codon 199 of the RYR2 protein. Computational prediction suggests that this variant may have deleterious impact on protein structure and function (internally defined REVEL score threshold >= 0.7, PMID: 27666373). To our knowledge, functional studies have not been reported for this variant. This variant has not been reported in individuals affected with RYR2-related disorders in the literature. This variant has been identified in 2/249210 chromosomes in the general population by the Genome Aggregation Database (gnomAD). The available evidence is insufficient to determine the role of this variant in disease conclusively. Therefore, this variant is classified as a Variant of Uncertain Significance.

This study involves interpretation of variants in research participants for the purpose of population health screening. Participant phenotype was not available at the time of variant classification. Additional details can be found in publication PMID: 35346344, PMCID: PMC8962531

Fulgent Genetics
Classification: Uncertain significance for Ventricular arrhythmias due to cardiac ryanodine receptor calcium release deficiency syndrome; Catecholaminergic polymorphic ventricular tachycardia 1. Last evaluated: 2021-08-12. Review status: criteria provided, single submitter. Criteria: ACMG Guidelines, 2015. Collection method: clinical testing. Allele origin: unknown.

NM_001035.3(RYR2):c.596G>T (p.Gly199Val)

Gene: RYR2 (ryanodine receptor 2; plus strand). Cytogenetic location: 1q43.
Variant type: single nucleotide variant.
Coding change: c.596G>T on transcript NM_001035.3 (MANE Select); coding-DNA position 596, G replaced by T.
Protein change: p.Gly199Val; replaces glycine 199 with valine.
Molecular consequence: missense variant.
Genome position (GRCh38, 1-based): chr1:237,387,300, G>T. VCF-style: chr1-237387300-G-T. GRCh37 (hg19) VCF-style: chr1-237550600-G-T.
Other names: short protein forms G199V.
Identifiers: ClinVar variation 1436888 (VCV001436888.12), dbSNP rs754911836, ClinGen allele CA087011.